The following is an entry in ClinVar:

ClinVar aggregate classification (germline): Uncertain significance (1 of 4 stars; one submission).

Conditions:
LAMA2-related muscular dystrophy (LAMA2-RD). Also called: Laminin alpha 2-related dystrophy. Identifiers: MedGen C5679788, MONDO:0100228.

Allele frequency attached by ClinVar (database versions not stated): gnomAD exomes below 0.00001.
gnomAD v4.1: 2 of 1,613,580 alleles (0.00012%); highest among the groups gnomAD compares: East Asian, 0.0022%; no homozygotes.

Submission:

Labcorp Genetics (formerly Invitae), Labcorp
Classification: Uncertain significance for LAMA2-related muscular dystrophy. Last evaluated: 2021-08-30. Review status: criteria provided, single submitter. Criteria: Invitae Variant Classification Sherloc (09022015). Collection method: clinical testing. Allele origin: germline.
Comment: This sequence change replaces glycine with valine at codon 829 of the LAMA2 protein (p.Gly829Val). The glycine residue is weakly conserved and there is a moderate physicochemical difference between glycine and valine. This variant is not present in population databases (ExAC no frequency). This variant has not been reported in the literature in individuals affected with LAMA2-related conditions. Advanced modeling of protein sequence and biophysical properties (such as structural, functional, and spatial information, amino acid conservation, physicochemical variation, residue mobility, and thermodynamic stability) performed at Invitae indicates that this missense variant is not expected to disrupt LAMA2 protein function. In summary, the available evidence is currently insufficient to determine the role of this variant in disease. Therefore, it has been classified as a Variant of Uncertain Significance.

NM_000426.4(LAMA2):c.2486G>T (p.Gly829Val)

Gene: LAMA2 (laminin subunit alpha 2; plus strand). Cytogenetic location: 6q22.33.
Variant type: single nucleotide variant.
Coding change: c.2486G>T on transcript NM_000426.4 (MANE Select); coding-DNA position 2486, G replaced by T.
Protein change: p.Gly829Val; replaces glycine 829 with valine.
Molecular consequence: missense variant.
Genome position (GRCh38, 1-based): chr6:129,280,096, G>T. VCF-style: chr6-129280096-G-T. GRCh37 (hg19) VCF-style: chr6-129601241-G-T.
Other names: c.2486G>T, p.Gly829Val (NM_001079823.2); short protein forms G829V.
Identifiers: ClinVar variation 1366049 (VCV001366049.5), dbSNP rs1453615875, ClinGen allele CA365609345.